The following is an entry in ClinVar:

NM_001145358.2(SIN3A):c.2552_2553insC (p.Val851_Lys852insTer)

Gene: SIN3A (SIN3 transcription regulator family member A; minus strand). Cytogenetic location: 15q24.2.
Variant type: Insertion.
Coding change: c.2552_2553insC on transcript NM_001145358.2 (MANE Select); coding-DNA positions 2552 to 2553, C inserted.
Protein change: p.Val851_Lys852insTer.
Molecular consequence: frameshift variant.
Genome position: GRCh38 VCF-style: chr15-75392540-A-AG. GRCh37 (hg19) VCF-style: chr15-75684881-A-AG.
Other names: c.2552_2553insC, p.Val851_Lys852insTer (NM_001145357.2, NM_015477.3).
Identifiers: ClinVar variation 3236064 (VCV003236064.1), dbSNP rs2543075783, ClinGen allele CA2825002301.

ClinVar aggregate classification (germline): Likely pathogenic (1 of 4 stars; one submission).

Conditions:
SIN3A-related intellectual disability syndrome due to a point mutation. Also called: 15q24 Microdeletion Syndrome; WITTEVEEN-KOLK SYNDROME. Identifiers: Orphanet 500166, Orphanet 94065, MedGen C4310804, MONDO:0044700, OMIM 613406.

Submission:

MVZ Medizinische Genetik Mainz
Classification: Likely pathogenic for SIN3A-related intellectual disability syndrome due to a point mutation. Last evaluated: 2022-05-13. Review status: criteria provided, single submitter. Criteria: UK Practice Guidelines For Variant Classification V4 01 2020. Collection method: clinical testing. Allele origin: germline. Inheritance: Autosomal dominant inheritance. Affected: yes. Observed: 1 variant allele.
Comment: ACMG Criteria: PVS1, PM2_SUP